The following is an entry in ClinVar:

ClinVar aggregate classification (germline): Uncertain significance. Review status: criteria provided, multiple submitters, no conflicts (2 of 4 stars). 2 submissions from 2 submitters: Uncertain significance (2). Last evaluated 2025-11-22.

Conditions:
Inborn genetic diseases. Identifiers: MedGen C0950123, MeSH D030342.

gnomAD v4.1: 7 of 1,612,140 alleles (0.00043%); highest among the groups gnomAD compares: Non-Finnish European, 0.00059%; no homozygotes.

Submissions (2):

Labcorp Genetics (formerly Invitae), Labcorp
Classification: Uncertain significance. Last evaluated: 2025-11-22. Review status: criteria provided, single submitter. Criteria: Invitae Variant Classification Sherloc (09022015). Collection method: clinical testing. Allele origin: germline.
Comment: This sequence change replaces valine, which is neutral and non-polar, with alanine, which is neutral and non-polar, at codon 1654 of the FOCAD protein (p.Val1654Ala). This variant is not present in population databases (gnomAD no frequency). This variant has not been reported in the literature in individuals affected with FOCAD-related conditions. Experimental studies and prediction algorithms are not available or were not evaluated, and the functional significance of this variant is currently unknown. In summary, the available evidence is currently insufficient to determine the role of this variant in disease. Therefore, it has been classified as a Variant of Uncertain Significance.

Ambry Genetics
Classification: Uncertain significance for Inborn genetic diseases. Last evaluated: 2025-11-06. Review status: criteria provided, single submitter. Criteria: Ambry Variant Classification Scheme 2023. Collection method: clinical testing. Allele origin: germline.

NM_001375567.1(FOCAD):c.4961T>C (p.Val1654Ala)

Gene: FOCAD (focadhesin; plus strand). Cytogenetic location: 9p21.3.
Variant type: single nucleotide variant.
Coding change: c.4961T>C on transcript NM_001375567.1 (MANE Select); coding-DNA position 4961, T replaced by C.
Protein change: p.Val1654Ala; replaces valine 1654 with alanine.
Molecular consequence: missense variant.
Genome position (GRCh38, 1-based): chr9:20,988,386, T>C. VCF-style: chr9-20988386-T-C. GRCh37 (hg19) VCF-style: chr9-20988385-T-C.
Other names: c.4856T>C, p.Val1619Ala (NM_001375568.1, NM_001375570.1); c.4961T>C, p.Val1654Ala (NM_017794.5); short protein forms V1654A, V1619A.
Identifiers: ClinVar variation 4620187 (VCV004620187.2).